The following is an entry in ClinVar:

NM_000069.3(CACNA1S):c.223C>T (p.Pro75Ser)

Gene: CACNA1S (calcium voltage-gated channel subunit alpha1 S; minus strand). Cytogenetic location: 1q32.1.
Variant type: single nucleotide variant.
Coding change: c.223C>T on transcript NM_000069.3 (MANE Select); coding-DNA position 223, C replaced by T.
Protein change: p.Pro75Ser; replaces proline 75 with serine.
Molecular consequence: missense variant.
Genome position (GRCh38, 1-based): chr1:201,110,199, G>A on the plus strand (C>T on the coding strand, the complement: CACNA1S is on the minus strand). VCF-style: chr1-201110199-G-A. GRCh37 (hg19) VCF-style: chr1-201079327-G-A.
Other names: short protein forms P75S.
Identifiers: ClinVar variation 4759075 (VCV004759075.1).

ClinVar aggregate classification (germline): Uncertain significance (1 of 4 stars; one submission).

Conditions:
Malignant hyperthermia, susceptibility to, 5 (MHS5). Also called: CACNA1S-Related Malignant Hyperthermia Susceptibility. Identifiers: Orphanet 423, MedGen C1866077, MONDO:0011163, OMIM 601887.

gnomAD v4.1: 1 of 1,614,224 alleles (0.000062%); highest among the groups gnomAD compares: Non-Finnish European, 0.000085%; no homozygotes.

Submission:

Color Diagnostics, LLC DBA Color Health
Classification: Uncertain significance for Malignant hyperthermia, susceptibility to, 5. Last evaluated: 2025-07-25. Review status: criteria provided, single submitter. Criteria: ACMG Guidelines, 2015. Collection method: clinical testing. Allele origin: germline.
Comment: This missense variant replaces proline with serine at codon 75 of the CACNA1S protein. Computational prediction suggests that this variant may have deleterious impact on protein structure and function. To our knowledge, functional studies have not been reported for this variant. This variant has not been reported in individuals affected with CACNA1S-related disorders in the literature. This variant has not been identified in the general population by the Genome Aggregation Database (gnomAD). The available evidence is insufficient to determine the role of this variant in disease conclusively. Therefore, this variant is classified as a Variant of Uncertain Significance.